The following is an entry in ClinVar:

ClinVar aggregate classification (germline): Uncertain significance (1 of 4 stars; one submission).

Submission:

Labcorp Genetics (formerly Invitae), Labcorp
Classification: Uncertain significance. Last evaluated: 2021-03-29. Review status: criteria provided, single submitter. Criteria: Invitae Variant Classification Sherloc (09022015). Collection method: clinical testing. Allele origin: germline.
Comment: In summary, the available evidence is currently insufficient to determine the role of this variant in disease. Therefore, it has been classified as a Variant of Uncertain Significance. Algorithms developed to predict the effect of missense changes on protein structure and function (SIFT, PolyPhen-2, Align-GVGD) all suggest that this variant is likely to be disruptive, but these predictions have not been confirmed by published functional studies and their clinical significance is uncertain. This variant has not been reported in the literature in individuals with USH2A-related conditions. This variant is not present in population databases (ExAC no frequency). This sequence change replaces arginine with proline at codon 2699 of the USH2A protein (p.Arg2699Pro). The arginine residue is highly conserved and there is a moderate physicochemical difference between arginine and proline.

NM_206933.4(USH2A):c.8096G>C (p.Arg2699Pro)

Gene: USH2A (usherin; minus strand). Cytogenetic location: 1q41.
Variant type: single nucleotide variant.
Coding change: c.8096G>C on transcript NM_206933.4 (MANE Select); coding-DNA position 8096, G replaced by C.
Protein change: p.Arg2699Pro; replaces arginine 2699 with proline.
Molecular consequence: missense variant.
Genome position (GRCh38, 1-based): chr1:215,888,553, C>G on the plus strand (G>C on the coding strand, the complement: USH2A is on the minus strand). VCF-style: chr1-215888553-C-G. GRCh37 (hg19) VCF-style: chr1-216061895-C-G.
Other names: short protein forms R2699P.
Identifiers: ClinVar variation 1417807 (VCV001417807.6), dbSNP rs748137104, ClinGen allele CA344838870.
Genomic context (GRCh38, chr1:215,888,553, plus strand): 5'-GTGGTAACTTCTACCCAAGCACTGCTGTTTGTGCCTCCATGAAGAGTGCTCATCAGTACC[C>G]GATATTCATATTTTGTCCATGGGCTAAGAGCAGAAGTCTTGTCAATAAACCTCATGGAAT-3'
Protein context (NP_996816.3, residues 2689-2709): ALSPWTKYEY[Arg2699Pro]VLMSTLHGGT